The following is an entry in ClinVar:

NM_005413.4(SIX3):c.377A>G (p.Asn126Ser)

Gene: SIX3 (SIX homeobox 3; plus strand). Cytogenetic location: 2p21.
Variant type: single nucleotide variant.
Coding change: c.377A>G on transcript NM_005413.4 (MANE Select); coding-DNA position 377, A replaced by G.
Protein change: p.Asn126Ser; replaces asparagine 126 with serine.
Molecular consequence: missense variant.
Genome position (GRCh38, 1-based): chr2:44,942,481, A>G. VCF-style: chr2-44942481-A-G. GRCh37 (hg19) VCF-style: chr2-45169620-A-G.
Other names: short protein forms N126S.
Identifiers: ClinVar variation 3661695 (VCV003661695.2).
Genomic context (GRCh38, chr2:44,942,481, plus strand): 5'-AGCGGCTGGGCCGCTTCCTCTGGTCGCTGCCCGTGGCCCCCGGGGCGTGCGAGGCCATCA[A>G]CAAACACGAGTCGATCCTGCGCGCGCGCGCCGTGGTCGCCTTCCACACGGGCAACTTCCG-3'
Protein context (NP_005404.1, residues 116-136): PVAPGACEAI[Asn126Ser]KHESILRARA

ClinVar aggregate classification (germline): Uncertain significance (1 of 4 stars; one submission).

Conditions:
Holoprosencephaly 2 (HPE2). Identifiers: Orphanet 2162, MedGen C1834877, MONDO:0007999, OMIM 157170.

Submission:

Labcorp Genetics (formerly Invitae), Labcorp
Classification: Uncertain significance for Holoprosencephaly 2. Last evaluated: 2024-08-07. Review status: criteria provided, single submitter. Criteria: Invitae Variant Classification Sherloc (09022015). Collection method: clinical testing. Allele origin: germline.
Comment: This sequence change replaces asparagine, which is neutral and polar, with serine, which is neutral and polar, at codon 126 of the SIX3 protein (p.Asn126Ser). This variant is not present in population databases (gnomAD no frequency). This variant has not been reported in the literature in individuals affected with SIX3-related conditions. An algorithm developed to predict the effect of missense changes on protein structure and function (PolyPhen-2) suggests that this variant is likely to be tolerated. In summary, the available evidence is currently insufficient to determine the role of this variant in disease. Therefore, it has been classified as a Variant of Uncertain Significance.